The following is an entry in ClinVar:

NM_170606.3(KMT2C):c.7846C>T (p.Pro2616Ser)

Gene: KMT2C (lysine methyltransferase 2C; minus strand). Cytogenetic location: 7q36.1.
Variant type: single nucleotide variant.
Coding change: c.7846C>T on transcript NM_170606.3 (MANE Select); coding-DNA position 7846, C replaced by T.
Protein change: p.Pro2616Ser; replaces proline 2616 with serine.
Molecular consequence: missense variant.
Genome position (GRCh38, 1-based): chr7:152,177,607, G>A on the plus strand (C>T on the coding strand, the complement: KMT2C is on the minus strand). VCF-style: chr7-152177607-G-A. GRCh37 (hg19) VCF-style: chr7-151874692-G-A.
Other names: c.7846C>T (NM_170606.2); short protein forms P2616S.
Identifiers: ClinVar variation 134775 (VCV000134775.11), dbSNP rs142938767, ClinGen allele CA160721.
Genomic context (GRCh38, chr7:152,177,607, plus strand): 5'-CTTGCTCTTGTTGAGATGGTGGCACTTGTTCCAAATCTGGGTGCACAGGTAGCTGATTAG[G>A]TAGACCCTGGGGAGGTCGTCGCATGGGGTCTGTGTGTCTAGGGCCCGGAAAGTCTGGCCG-3'
Protein context (NP_733751.2, residues 2606-2626): DPMRRPPQGL[Pro2616Ser]NQLPVHPDLE

ClinVar aggregate classification (germline): Benign/Likely benign. Review status: criteria provided, multiple submitters, no conflicts (2 of 4 stars). 4 submissions from 4 submitters: Benign (1); Likely benign (2). 1 of the submissions does not count toward it. Last evaluated 2025-12-09.

Conditions:
Inborn genetic diseases. Identifiers: MedGen C0950123, MeSH D030342.

Allele frequency attached by ClinVar (database versions not stated): gnomAD exomes 0.00001 and 0.00004; ExAC 0.00005; gnomAD 0.00010; TOPMed 0.00014; ESP Exome Variant Server 0.00023.
gnomAD v4.1: 40 of 1,614,172 alleles (0.0025%); highest among the groups gnomAD compares: African/African-American, 0.04%; no homozygotes.

Submissions (4):

Labcorp Genetics (formerly Invitae), Labcorp
Classification: Benign. Last evaluated: 2025-12-09. Review status: criteria provided, single submitter. Criteria: Invitae Variant Classification Sherloc (09022015). Collection method: clinical testing. Allele origin: germline.

CeGaT Center for Human Genetics Tuebingen
Classification: Likely benign. Last evaluated: 2025-10-01. Review status: criteria provided, single submitter. Criteria: CeGaT Center For Human Genetics Tuebingen Variant Classification Criteria Version 2. Collection method: clinical testing. Allele origin: germline. Affected: yes. Observed: 1 variant allele.
Comment: KMT2C: BP4

Ambry Genetics
Classification: Likely benign for Inborn genetic diseases. Last evaluated: 2024-10-20. Review status: criteria provided, single submitter. Criteria: Ambry Variant Classification Scheme 2023. Collection method: clinical testing. Allele origin: germline.

ITMI
No classification provided. Condition: AllHighlyPenetrant. Last evaluated: 2013-09-19. Review status: no classification provided. Collection method: reference population. Allele origin: germline. Not counted in ClinVar's aggregate classification.
Comment: Please see associated publication for description of ethnicities

Literature cited by the submitters: PubMed 24728327 (cited by ITMI).